The following is an entry in ClinVar:

NM_001282468.3(GOLGA8M):c.1035G>A (p.Glu345=)

Gene: GOLGA8M (golgin A8 family member M; minus strand). Cytogenetic location: 15q13.1.
Variant type: single nucleotide variant.
Coding change: c.1035G>A on transcript NM_001282468.3 (MANE Select); coding-DNA position 1035, G replaced by A.
Protein change: p.Glu345=; no amino-acid change (glutamic acid 345 retained).
Molecular consequence: synonymous variant.
Genome position (GRCh38, 1-based): chr15:28,705,579, C>T on the plus strand (G>A on the coding strand, the complement: GOLGA8M is on the minus strand). VCF-style: chr15-28705579-C-T. GRCh37 (hg19) VCF-style: chr15-28950725-C-T.
Identifiers: ClinVar variation 4821502 (VCV004821502.4).

ClinVar aggregate classification (germline): Likely benign (1 of 4 stars; one submission).

Submission:

CeGaT Center for Human Genetics Tuebingen
Classification: Likely benign. Last evaluated: 2026-03-01. Review status: criteria provided, single submitter. Criteria: CeGaT Center For Human Genetics Tuebingen Variant Classification Criteria Version 2. Collection method: clinical testing. Allele origin: germline. Affected: yes. Observed: 2 variant alleles.
Comment: GOLGA8M: BP4, BP7